The following is an entry in ClinVar:

ClinVar aggregate classification (germline): Conflicting classifications of pathogenicity. Review status: criteria provided, conflicting classifications (1 of 4 stars). 4 submissions from 4 submitters: Uncertain significance (1); Benign (1); Likely benign (1). 1 of the submissions does not count toward it. Last evaluated 2023-12-11.

Conditions:
TJP2-related disorder. Also called: TJP2-related condition.

Allele frequency attached by ClinVar (database versions not stated): TOPMed 0.00002; gnomAD 0.00003; ExAC 0.00015; gnomAD exomes 0.00012.
gnomAD v4.1: 132 of 1,614,028 alleles (0.0082%); highest among the groups gnomAD compares: South Asian, 0.052%; 1 homozygote.

Submissions (4):

Labcorp Genetics (formerly Invitae), Labcorp
Classification: Likely benign. Last evaluated: 2023-12-11. Review status: criteria provided, single submitter. Criteria: Invitae Variant Classification Sherloc (09022015). Collection method: clinical testing. Allele origin: germline.

Athena Diagnostics
Classification: Benign. Last evaluated: 2021-03-03. Review status: criteria provided, single submitter. Criteria: Athena Diagnostics criteria. Collection method: clinical testing. Allele origin: unknown.

Eurofins Ntd Llc (ga)
Classification: Uncertain significance. Last evaluated: 2017-06-15. Review status: criteria provided, single submitter. Criteria: EGL Classification Definitions 2015. Collection method: clinical testing. Allele origin: germline. Observed: 1 variant allele, 1 heterozygote.

PreventionGenetics, part of Exact Sciences
Classification: Likely benign for TJP2-related condition. Last evaluated: 2022-09-15. Review status: no assertion criteria provided. Collection method: clinical testing. Allele origin: germline. Not counted in ClinVar's aggregate classification.
Comment: This variant is classified as likely benign based on ACMG/AMP sequence variant interpretation guidelines (Richards et al. 2015 PMID: 25741868, with internal and published modifications).

NM_004817.4(TJP2):c.3405G>A (p.Thr1135=)

Gene: TJP2 (tight junction protein 2; plus strand). Cytogenetic location: 9q21.11.
Variant type: single nucleotide variant.
Coding change: c.3405G>A on transcript NM_004817.4 (MANE Select); coding-DNA position 3405, G replaced by A.
Protein change: p.Thr1135=; no amino-acid change (threonine 1135 retained).
Molecular consequence: synonymous variant.
Genome position (GRCh38, 1-based): chr9:69,252,898, G>A. VCF-style: chr9-69252898-G-A. GRCh37 (hg19) VCF-style: chr9-71867814-G-A.
Other names: c.3405G>A, p.Thr1135= (LRG_1201t1); c.2895G>A, p.Thr965= (NM_001170414.2); c.3306G>A, p.Thr1102= (NM_001170415.1); c.3498G>A, p.Thr1166= (NM_001170416.2); c.3330G>A, p.Thr1110= (NM_001369870.1); c.3336G>A, p.Thr1112= (NM_001369871.1); c.3294G>A, p.Thr1098= (NM_001369872.1); c.3081G>A, p.Thr1027= (NM_001369873.1); and 3 more.
Identifiers: ClinVar variation 502609 (VCV000502609.12), dbSNP rs771190188, ClinGen allele CA5073954.